The following is an entry in ClinVar:

ClinVar aggregate classification (germline): Uncertain significance. Review status: criteria provided, multiple submitters, no conflicts (2 of 4 stars). 2 submissions from 2 submitters: Uncertain significance (2). Last evaluated 2024-07-09.

Allele frequency attached by ClinVar (database versions not stated): gnomAD 0.00001; gnomAD exomes 0.00001; ExAC 0.00002.
gnomAD v4.1: 21 of 1,613,760 alleles (0.0013%); highest among the groups gnomAD compares: Admixed American, 0.017%; no homozygotes.

Submissions (2):

Blueprint Genetics
Classification: Uncertain significance. Last evaluated: 2024-07-09. Review status: criteria provided, single submitter. Criteria: ACMG Guidelines, 2015. Collection method: clinical testing. Allele origin: germline.

Labcorp Genetics (formerly Invitae), Labcorp
Classification: Uncertain significance. Last evaluated: 2022-04-22. Review status: criteria provided, single submitter. Criteria: Invitae Variant Classification Sherloc (09022015). Collection method: clinical testing. Allele origin: germline.
Comment: This sequence change replaces arginine, which is basic and polar, with tryptophan, which is neutral and slightly polar, at codon 191 of the CDH23 protein (p.Arg191Trp). This variant is present in population databases (rs773118278, gnomAD 0.03%). This variant has not been reported in the literature in individuals affected with CDH23-related conditions. Algorithms developed to predict the effect of missense changes on protein structure and function are either unavailable or do not agree on the potential impact of this missense change (SIFT: "Deleterious"; PolyPhen-2: "Not Available"; Align-GVGD: "Class C0"). In summary, the available evidence is currently insufficient to determine the role of this variant in disease. Therefore, it has been classified as a Variant of Uncertain Significance.

NM_022124.6(CDH23):c.571C>T (p.Arg191Trp)

Gene: CDH23 (cadherin related 23; plus strand). Cytogenetic location: 10q22.1.
Variant type: single nucleotide variant.
Coding change: c.571C>T on transcript NM_022124.6 (MANE Select); coding-DNA position 571, C replaced by T.
Protein change: p.Arg191Trp; replaces arginine 191 with tryptophan.
Molecular consequence: missense variant.
Genome position (GRCh38, 1-based): chr10:71,566,883, C>T. VCF-style: chr10-71566883-C-T. GRCh37 (hg19) VCF-style: chr10-73326640-C-T.
Other names: c.571C>T, p.Arg191Trp (NM_001171930.2, NM_001171931.2, NM_001171932.2 and 1 more transcripts); short protein forms R191W.
Identifiers: ClinVar variation 2160544 (VCV002160544.2), dbSNP rs773118278, ClinGen allele CA5543474.